The following is an entry in ClinVar:

ClinVar aggregate classification (germline): Pathogenic/Likely pathogenic. Review status: criteria provided, multiple submitters, no conflicts (2 of 4 stars). 5 submissions from 5 submitters: Pathogenic (3); Likely pathogenic (1). 1 of the submissions does not count toward it. Last evaluated 2023-10-01.

Conditions:
NRL-related disorders.
Retinal dystrophy. Also called: Inherited retinal dystrophy. Identifiers: Orphanet 71862, MedGen C0854723, MeSH D058499, MONDO:0019118, HP:0000556.
Retinitis pigmentosa 27 (RP27). Identifiers: Orphanet 791, MedGen C1834329, MONDO:0013402, OMIM 613750.

Submissions (5):

Dept Of Ophthalmology, Nagoya University
Classification: Likely pathogenic for Retinal dystrophy. Last evaluated: 2023-10-01. Review status: criteria provided, single submitter. Criteria: Submitter's publication. Collection method: research. Allele origin: germline. Affected: yes.

Blueprint Genetics
Classification: Pathogenic for NRL-related disorders. Last evaluated: 2022-11-17. Review status: criteria provided, single submitter. Criteria: ACMG Guidelines, 2015. Collection method: clinical testing. Allele origin: germline. Affected: yes. Observed: 5 variant alleles.

Labcorp Genetics (formerly Invitae), Labcorp
Classification: Pathogenic. Last evaluated: 2022-09-12. Review status: criteria provided, single submitter. Criteria: Invitae Variant Classification Sherloc (09022015). Collection method: clinical testing. Allele origin: germline.
Comment: This variant disrupts the p.Pro51 amino acid residue in NRL. Other variant(s) that disrupt this residue have been determined to be pathogenic (PMID: 15591106; Invitae). This suggests that this residue is clinically significant, and that variants that disrupt this residue are likely to be disease-causing. For these reasons, this variant has been classified as Pathogenic. Experimental studies have shown that this missense change affects NRL function (PMID: 17335001). This sequence change replaces proline, which is neutral and non-polar, with leucine, which is neutral and non-polar, at codon 51 of the NRL protein (p.Pro51Leu). This variant is not present in population databases (gnomAD no frequency). This missense change has been observed in individuals with autosomal dominant retinitis pigmentosa (PMID: 11385710, 15994872). It has also been observed to segregate with disease in related individuals. This variant is also known as 2316C>T. ClinVar contains an entry for this variant (Variation ID: 916413). Algorithms developed to predict the effect of missense changes on protein structure and function (SIFT, PolyPhen-2, Align-GVGD) all suggest that this variant is likely to be disruptive.

CeGaT Center for Human Genetics Tuebingen
Classification: Pathogenic. Last evaluated: 2020-03-01. Review status: criteria provided, single submitter. Criteria: CeGaT Center For Human Genetics Tuebingen Variant Classification Criteria Version 2. Collection method: clinical testing. Allele origin: germline. Affected: yes. Observed: 1 variant allele.

OMIM
Classification: Pathogenic for RETINITIS PIGMENTOSA 27. Last evaluated: 2001-06-01. Review status: no assertion criteria provided. Collection method: literature only. Allele origin: germline. Not counted in ClinVar's aggregate classification.

Literature cited by the submitters: PubMed 15591106 (cited by Labcorp Genetics (formerly Invitae), Labcorp); PubMed 17335001 (cited by Labcorp Genetics (formerly Invitae), Labcorp); PubMed 11385710 (cited by Labcorp Genetics (formerly Invitae), Labcorp and OMIM); PubMed 15994872 (cited by Labcorp Genetics (formerly Invitae), Labcorp); PubMed 35653045 (cited by OMIM).

NM_001354768.3(NRL):c.152C>T (p.Pro51Leu)

Gene: NRL (neural retina leucine zipper; minus strand). Cytogenetic location: 14q11.2.
Variant type: single nucleotide variant.
Coding change: c.152C>T on transcript NM_001354768.3 (MANE Select); coding-DNA position 152, C replaced by T.
Protein change: p.Pro51Leu; replaces proline 51 with leucine.
Molecular consequence: missense variant. On other transcripts: intron variant (1).
Genome position (GRCh38, 1-based): chr14:24,082,697, G>A on the plus strand (C>T on the coding strand, the complement: NRL is on the minus strand). VCF-style: chr14-24082697-G-A. GRCh37 (hg19) VCF-style: chr14-24551906-G-A.
Other names: c.152C>T, p.Pro51Leu (NM_001354769.1, NM_006177.5); c.66+86C>T (NM_001354770.2); short protein forms P51L.
Identifiers: ClinVar variation 916413 (VCV000916413.48), dbSNP rs2036353653, ClinGen allele CA389281570.